The following is an entry in ClinVar:

ClinVar aggregate classification (germline): Pathogenic (1 of 4 stars; one submission).

Conditions:
Hereditary cancer-predisposing syndrome. Also called: Hereditary Cancer Syndrome; Hereditary neoplastic syndrome; Neoplastic Syndromes, Hereditary; Tumor predisposition. Identifiers: Orphanet 140162, MedGen C0027672, MeSH D009386, MONDO:0015356.

Submission:

Ambry Genetics
Classification: Pathogenic for Hereditary cancer-predisposing syndrome. Last evaluated: 2019-05-10. Review status: criteria provided, single submitter. Criteria: Ambry Variant Classification Scheme 2023. Collection method: clinical testing. Allele origin: germline.
Comment: The p.R1921* pathogenic mutation (also known as c.5761A>T), located in coding exon 37 of the ATM gene, results from an A to T substitution at nucleotide position 5761. This changes the amino acid from an arginine to a stop codon within coding exon 37. This alteration is expected to result in loss of function by premature protein truncation or nonsense-mediated mRNA decay. As such, this alteration is interpreted as a disease-causing mutation.

NM_000051.4(ATM):c.5761A>T (p.Arg1921Ter)

Gene: ATM (ATM serine/threonine kinase; plus strand). Cytogenetic location: 11q22.3.
Variant type: single nucleotide variant.
Coding change: c.5761A>T on transcript NM_000051.4 (MANE Select); coding-DNA position 5761, A replaced by T.
Protein change: p.Arg1921Ter; replaces arginine 1921 with a stop codon.
Molecular consequence: nonsense.
Genome position (GRCh38, 1-based): chr11:108,307,983, A>T. VCF-style: chr11-108307983-A-T. GRCh37 (hg19) VCF-style: chr11-108178710-A-T.
Other names: c.5761A>T, p.Arg1921Ter (NM_001351834.2); short protein forms R1921*.
Identifiers: ClinVar variation 1749488 (VCV001749488.2), dbSNP rs1060501527, ClinGen allele CA382548025.
Genomic context (GRCh38, chr11:108,307,983, plus strand): 5'-TTGGATAAAAAATCACAAAGAACAATGCTTGCTGTTGTGGACTACATGAGAAGACAAAAG[A>T]GGTAATGTAATGAGTGTTGCTTCTTACGTTTAGGATCTAGAGTGTAACTTGTTAACTATC-3'